The following is an entry in ClinVar:

NM_004523.4(KIF11):c.2891G>A (p.Cys964Tyr)

Gene: KIF11 (kinesin family member 11; plus strand). Cytogenetic location: 10q23.33.
Variant type: single nucleotide variant.
Coding change: c.2891G>A on transcript NM_004523.4 (MANE Select); coding-DNA position 2891, G replaced by A.
Protein change: p.Cys964Tyr; replaces cysteine 964 with tyrosine.
Molecular consequence: missense variant.
Genome position (GRCh38, 1-based): chr10:92,649,955, G>A. VCF-style: chr10-92649955-G-A. GRCh37 (hg19) VCF-style: chr10-94409712-G-A.
Other names: c.2891G>A (NM_004523.3); short protein forms C964Y.
Identifiers: ClinVar variation 2168750 (VCV002168750.6), dbSNP rs1188675378, ClinGen allele CA377806155.

ClinVar aggregate classification (germline): Uncertain significance. Review status: criteria provided, multiple submitters, no conflicts (2 of 4 stars). 3 submissions from 3 submitters: Uncertain significance (3). Last evaluated 2025-07-14.

Conditions:
Inborn genetic diseases. Identifiers: MedGen C0950123, MeSH D030342.

Allele frequency attached by ClinVar (database versions not stated): gnomAD exomes 0.00001; TOPMed 0.00008; gnomAD 0.00011.
gnomAD v4.1: 23 of 1,611,742 alleles (0.0014%); highest among the groups gnomAD compares: Admixed American, 0.033%; no homozygotes.

Submissions (3):

Ambry Genetics
Classification: Uncertain significance for Inborn genetic diseases. Last evaluated: 2025-07-14. Review status: criteria provided, single submitter. Criteria: Ambry Variant Classification Scheme 2023. Collection method: clinical testing. Allele origin: germline.

Dasa
Classification: Uncertain significance. Last evaluated: 2025-05-27. Review status: criteria provided, single submitter. Criteria: DASA Assertion Criteria. Collection method: clinical testing. Allele origin: germline.
Comment: NM_004523.4(KIF11):c.2891G>A (p.Cys964Tyr) is a missense variant that results in the substitution of cysteine with tyrosine. This variant is rare in population databases. Computational prediction algorithms are consistent with a benign effect. The currently available literature and clinical evidence are not sufficient to establish a definitive association between this variant and the reported condition. Therefore, this variant is classified as a variant of uncertain significance.

Labcorp Genetics (formerly Invitae), Labcorp
Classification: Uncertain significance. Last evaluated: 2022-10-17. Review status: criteria provided, single submitter. Criteria: Invitae Variant Classification Sherloc (09022015). Collection method: clinical testing. Allele origin: germline.
Comment: In summary, the available evidence is currently insufficient to determine the role of this variant in disease. Therefore, it has been classified as a Variant of Uncertain Significance. Algorithms developed to predict the effect of missense changes on protein structure and function output the following: SIFT: "Tolerated"; PolyPhen-2: "Benign"; Align-GVGD: "Class C0". The tyrosine amino acid residue is found in multiple mammalian species, which suggests that this missense change does not adversely affect protein function. This variant has not been reported in the literature in individuals affected with KIF11-related conditions. This variant is present in population databases (no rsID available, gnomAD 0.02%). This sequence change replaces cysteine, which is neutral and slightly polar, with tyrosine, which is neutral and polar, at codon 964 of the KIF11 protein (p.Cys964Tyr).